The following is an entry in ClinVar:

ClinVar aggregate classification (germline): Uncertain significance (1 of 4 stars; one submission).

gnomAD v4.1: 6 of 1,546,818 alleles (0.00039%); highest among the groups gnomAD compares: Admixed American, 0.012%; no homozygotes.

Submission:

GeneDx
Classification: Uncertain significance. Last evaluated: 2024-05-11. Review status: criteria provided, single submitter. Criteria: GeneDx Variant Classification Process June 2021. Collection method: clinical testing. Allele origin: germline. Affected: yes.
Comment: Nonsense variant predicted to result in protein truncation or nonsense mediated decay in a gene or region of a gene for which loss of function is not a well-established mechanism of disease; Has not been previously published as pathogenic or benign to our knowledge

NM_001367479.1(DNAH14):c.966C>A (p.Cys322Ter)

Gene: DNAH14 (dynein axonemal heavy chain 14; plus strand). Cytogenetic location: 1q42.12.
Variant type: single nucleotide variant.
Coding change: c.966C>A on transcript NM_001367479.1 (MANE Select); coding-DNA position 966, C replaced by A.
Protein change: p.Cys322Ter; replaces cysteine 322 with a stop codon.
Molecular consequence: nonsense.
Genome position (GRCh38, 1-based): chr1:225,002,918, C>A. VCF-style: chr1-225002918-C-A. GRCh37 (hg19) VCF-style: chr1-225190620-C-A.
Other names: NM_001373.1:c.966C>A; c.966C>A, p.Cys322Ter (NM_001145154.3); c.897C>A, p.Cys299Ter (NM_001349911.2); short protein forms C299*, C322*.
Identifiers: ClinVar variation 3378273 (VCV003378273.1).